The following is an entry in ClinVar:

ClinVar aggregate classification (germline): Uncertain significance (1 of 4 stars; one submission).

Allele frequency attached by ClinVar (database versions not stated): TOPMed below 0.00001.
gnomAD v4.1: 2 of 1,576,704 alleles (0.00013%); highest among the groups gnomAD compares: Non-Finnish European, 0.00017%; no homozygotes.

Submission:

Labcorp Genetics (formerly Invitae), Labcorp
Classification: Uncertain significance. Last evaluated: 2023-12-07. Review status: criteria provided, single submitter. Criteria: Invitae Variant Classification Sherloc (09022015). Collection method: clinical testing. Allele origin: germline.
Comment: This sequence change replaces isoleucine, which is neutral and non-polar, with leucine, which is neutral and non-polar, at codon 46 of the TGDS protein (p.Ile46Leu). This variant is not present in population databases (gnomAD no frequency). This variant has not been reported in the literature in individuals affected with TGDS-related conditions. Advanced modeling of protein sequence and biophysical properties (such as structural, functional, and spatial information, amino acid conservation, physicochemical variation, residue mobility, and thermodynamic stability) performed at Invitae indicates that this missense variant is not expected to disrupt TGDS protein function with a negative predictive value of 80%. In summary, the available evidence is currently insufficient to determine the role of this variant in disease. Therefore, it has been classified as a Variant of Uncertain Significance.

NM_014305.4(TGDS):c.136A>C (p.Ile46Leu)

Gene: TGDS (TDP-glucose 4,6-dehydratase; minus strand). Cytogenetic location: 13q32.1.
Variant type: single nucleotide variant.
Coding change: c.136A>C on transcript NM_014305.4 (MANE Select); coding-DNA position 136, A replaced by C.
Protein change: p.Ile46Leu; replaces isoleucine 46 with leucine.
Molecular consequence: missense variant. On other transcripts: non-coding transcript variant (2).
Genome position (GRCh38, 1-based): chr13:94,593,858, T>G on the plus strand (A>C on the coding strand, the complement: TGDS is on the minus strand). VCF-style: chr13-94593858-T-G. GRCh37 (hg19) VCF-style: chr13-95246112-T-G.
Other names: c.40A>C, p.Ile14Leu (NM_001304430.2); short protein forms I46L, I14L.
Identifiers: ClinVar variation 2878387 (VCV002878387.3), dbSNP rs773350207, ClinGen allele CA254174953.